The following is an entry in ClinVar:

NM_001100.4(ACTA1):c.55G>A (p.Val19Met)

Gene: ACTA1 (actin alpha 1, skeletal muscle; minus strand). Cytogenetic location: 1q42.13.
Variant type: single nucleotide variant.
Coding change: c.55G>A on transcript NM_001100.4 (MANE Select); coding-DNA position 55, G replaced by A.
Protein change: p.Val19Met; replaces valine 19 with methionine.
Molecular consequence: missense variant.
Genome position (GRCh38, 1-based): chr1:229,433,061, C>T on the plus strand (G>A on the coding strand, the complement: ACTA1 is on the minus strand). VCF-style: chr1-229433061-C-T. GRCh37 (hg19) VCF-style: chr1-229568808-C-T.
Other names: short protein forms V19M.
Identifiers: ClinVar variation 2637032 (VCV002637032.1), dbSNP rs2527440096, ClinGen allele CA345151619.

ClinVar aggregate classification (germline): Uncertain significance (1 of 4 stars; one submission).

Conditions:
ACTA1-related disorder. Also called: ACTA1-related condition.

Allele frequency attached by ClinVar (database versions not stated): gnomAD exomes below 0.00001.

Submission:

PreventionGenetics, part of Exact Sciences
Classification: Uncertain significance for ACTA1-related condition. Last evaluated: 2023-09-15. Review status: criteria provided, single submitter. Criteria: ACMG Guidelines, 2015. Collection method: clinical testing. Allele origin: germline.
Comment: The ACTA1 c.55G>A variant is predicted to result in the amino acid substitution p.Val19Met. To our knowledge, this variant has not been reported in the literature or in a large population database, indicating this variant is rare. At this time, the clinical significance of this variant is uncertain due to the absence of conclusive functional and genetic evidence.